The following is an entry in ClinVar:

NM_001005242.3(PKP2):c.1177C>A (p.Gln393Lys)

Gene: PKP2 (plakophilin 2; minus strand). Cytogenetic location: 12p11.21.
Variant type: single nucleotide variant.
Coding change: c.1177C>A on transcript NM_001005242.3 (MANE Select); coding-DNA position 1177, C replaced by A.
Protein change: p.Gln393Lys; replaces glutamine 393 with lysine.
Molecular consequence: missense variant.
Genome position (GRCh38, 1-based): chr12:32,850,967, G>T on the plus strand (C>A on the coding strand, the complement: PKP2 is on the minus strand). VCF-style: chr12-32850967-G-T. GRCh37 (hg19) VCF-style: chr12-33003901-G-T.
Other names: c.1177C>A, p.Gln393Lys (NM_001407161.1, NM_004572.4, NM_001407155.1 and 2 more transcripts); c.850C>A, p.Gln284Lys (NM_001407162.1, NM_001407158.1, NM_001407159.1 and 1 more transcripts); short protein forms Q284K, Q393K.
Identifiers: ClinVar variation 2812305 (VCV002812305.3), dbSNP rs786204393, ClinGen allele CA384371091.
Genomic context (GRCh38, chr12:32,850,967, plus strand): 5'-GCTGAACGTCTTCATTCTGAACTTTTAGGAGCTGCAGAAGCTTGAGGATGCCACGAAGCT[G>T]GTTAACCTGGGGAAGAAGCAGATGCATATTTCTAATATTAATTTTGATGTGGCATCAAGG-3'
Protein context (NP_001005242.2, residues 383-403): QKSEARKRVN[Gln393Lys]LRGILKLLQL

ClinVar aggregate classification (germline): Uncertain significance (1 of 4 stars; one submission).

Conditions:
Arrhythmogenic right ventricular dysplasia 9 (ARVD9). Also called: Arrhythmogenic Right Ventricular Dysplasia/Cardiomyopathy 9; ARRHYTHMOGENIC RIGHT VENTRICULAR DYSPLASIA, FAMILIAL, 9. Identifiers: MedGen C1836906, MONDO:0012180, OMIM 609040.

Submission:

Labcorp Genetics (formerly Invitae), Labcorp
Classification: Uncertain significance for Arrhythmogenic right ventricular dysplasia 9. Last evaluated: 2022-11-06. Review status: criteria provided, single submitter. Criteria: Invitae Variant Classification Sherloc (09022015). Collection method: clinical testing. Allele origin: germline.
Comment: In summary, the available evidence is currently insufficient to determine the role of this variant in disease. Therefore, it has been classified as a Variant of Uncertain Significance. Algorithms developed to predict the effect of missense changes on protein structure and function (SIFT, PolyPhen-2, Align-GVGD) all suggest that this variant is likely to be tolerated. This variant has not been reported in the literature in individuals affected with PKP2-related conditions. This variant is not present in population databases (gnomAD no frequency). This sequence change replaces glutamine, which is neutral and polar, with lysine, which is basic and polar, at codon 393 of the PKP2 protein (p.Gln393Lys).